The following is an entry in ClinVar:

NM_181458.4(PAX3):c.792+2T>A

Gene: PAX3 (paired box 3; minus strand). Cytogenetic location: 2q36.1.
Variant type: single nucleotide variant.
Coding change: c.792+2T>A on transcript NM_181458.4 (MANE Select); the canonical splice donor site of the intron after coding-DNA position 792, T replaced by A.
Molecular consequence: splice donor variant.
Genome position (GRCh38, 1-based): chr2:222,232,076, A>T on the plus strand (T>A on the coding strand, the complement: PAX3 is on the minus strand). VCF-style: chr2-222232076-A-T. GRCh37 (hg19) VCF-style: chr2-223096795-A-T.
Other names: c.789+2T>A (NM_001127366.3); c.792+2T>A (NM_181460.4, NM_181461.4, NM_181459.4 and 1 more transcripts).
Identifiers: ClinVar variation 3601590 (VCV003601590.1).

ClinVar aggregate classification (germline): Pathogenic (1 of 4 stars; one submission).

Conditions:
Waardenburg syndrome type 1 (WS1). Also called: WAARDENBURG SYNDROME WITH DYSTOPIA CANTHORUM; Waardenburg Syndrome Type I. Identifiers: Orphanet 894, MedGen C1847800, MONDO:0008670, OMIM 193500.

Submission:

Institute of Rare Diseases, West China Hospital, Sichuan University
Classification: Pathogenic for Waardenburg syndrome type 1. Last evaluated: 2025-01-09. Review status: criteria provided, single submitter. Criteria: ClinGen HL ACMG Specifications v1. Collection method: research. Allele origin: germline. Affected: yes.
Comment: PM1;PVS1;PP4;PM2_Supporting